The following is an entry in ClinVar:

ClinVar aggregate classification (germline): Uncertain significance (1 of 4 stars; one submission).

Allele frequency attached by ClinVar (database versions not stated): gnomAD exomes below 0.00001; TOPMed 0.00002; ExAC 0.00003; gnomAD 0.00004.
gnomAD v4.1: 11 of 1,613,238 alleles (0.00068%); highest among the groups gnomAD compares: African/African-American, 0.0093%; no homozygotes.

Submission:

Labcorp Genetics (formerly Invitae), Labcorp
Classification: Uncertain significance. Last evaluated: 2023-11-10. Review status: criteria provided, single submitter. Criteria: Invitae Variant Classification Sherloc (09022015). Collection method: clinical testing. Allele origin: germline.
Comment: This sequence change falls in intron 8 of the POLD2 gene. It does not directly change the encoded amino acid sequence of the POLD2 protein. This variant is present in population databases (rs759311952, gnomAD 0.02%). This variant has not been reported in the literature in individuals affected with POLD2-related conditions. ClinVar contains an entry for this variant (Variation ID: 2022333). Algorithms developed to predict the effect of sequence changes on RNA splicing suggest that this variant may create or strengthen a splice site. In summary, the available evidence is currently insufficient to determine the role of this variant in disease. Therefore, it has been classified as a Variant of Uncertain Significance.

NM_006230.4(POLD2):c.1019+9C>T

Gene: POLD2 (DNA polymerase delta 2, accessory subunit; minus strand). Cytogenetic location: 7p13.
Variant type: single nucleotide variant.
Coding change: c.1019+9C>T on transcript NM_006230.4 (MANE Select); 9 bases into the intron after coding-DNA position 1019, C replaced by T.
Molecular consequence: intron variant.
Genome position (GRCh38, 1-based): chr7:44,116,106, G>A on the plus strand (C>T on the coding strand, the complement: POLD2 is on the minus strand). VCF-style: chr7-44116106-G-A. GRCh37 (hg19) VCF-style: chr7-44155705-G-A.
Other names: c.1019+9C>T (NM_001127218.3, NM_001256879.2).
Identifiers: ClinVar variation 2022333 (VCV002022333.4), dbSNP rs759311952, ClinGen allele CA4238663.
Genomic context (GRCh38, chr7:44,116,106, plus strand): 5'-TCCCCTCCCTTCTTTGTGCCTCCTGAGGCAAAAGGCTGGGTCAGACTGAAGTGTGGCTGT[G>A]CCAGCTACCTGACTCCATCAATGGTGGCCTGGTAGGGGTTGGTGACCAGCTGGAGCGTGG-3'